The following is an entry in ClinVar:

ClinVar aggregate classification (germline): Uncertain significance (1 of 4 stars; one submission).

gnomAD v4.1: 1 of 1,562,980 alleles (0.000064%); highest among the groups gnomAD compares: Non-Finnish European, 0.000087%; no homozygotes.

Submission:

Dasa
Classification: Uncertain significance. Last evaluated: 2026-04-06. Review status: criteria provided, single submitter. Criteria: DASA Assertion Criteria. Collection method: clinical testing. Allele origin: germline.
Comment: NM_000815.5(GABRD):c.1317T>G (p.Phe439Leu) is a missense variant that results in the substitution of phenylalanine with leucine. This variant is rare in population databases. Computational prediction algorithms are consistent with a deleterious effect. The currently available literature and clinical evidence are not sufficient to establish a definitive association between this variant and the reported condition. Therefore, this variant is classified as a variant of uncertain significance.

NM_000815.5(GABRD):c.1317T>G (p.Phe439Leu)

Gene: GABRD (gamma-aminobutyric acid type A receptor subunit delta; plus strand). Cytogenetic location: 1p36.33.
Variant type: single nucleotide variant.
Coding change: c.1317T>G on transcript NM_000815.5 (MANE Select); coding-DNA position 1317, T replaced by G.
Protein change: p.Phe439Leu; replaces phenylalanine 439 with leucine.
Molecular consequence: missense variant.
Genome position (GRCh38, 1-based): chr1:2,030,240, T>G. VCF-style: chr1-2030240-T-G. GRCh37 (hg19) VCF-style: chr1-1961679-T-G.
Other names: short protein forms F439L.
Identifiers: ClinVar variation 4880850 (VCV004880850.2).